The following is an entry in ClinVar:

NC_000005.9:g.(?_127622400)_(127645101_?)dup

Gene: FBN2 (fibrillin 2; minus strand). Cytogenetic location: 5q23.3.
Variant type: Duplication.
Identifiers: ClinVar variation 1022836 (VCV001022836.9).

ClinVar aggregate classification (germline): Uncertain significance (1 of 4 stars; one submission).

Conditions:
Congenital contractural arachnodactyly (CCA). Also called: BEALS SYNDROME; Beals-Hecht syndrome; Arthrogryposis, distal, type 9. Identifiers: Orphanet 115, MedGen C0220668, MONDO:0007363, OMIM 121050.

Submission:

Labcorp Genetics (formerly Invitae), Labcorp
Classification: Uncertain significance for Congenital contractural arachnodactyly. Last evaluated: 2020-02-26. Review status: criteria provided, single submitter. Criteria: Invitae Variant Classification Sherloc (09022015). Collection method: clinical testing. Allele origin: germline.
Comment: In summary, the available evidence is currently insufficient to determine the role of this variant in disease. Therefore, it has been classified as a Variant of Uncertain Significance. Experimental studies and prediction algorithms are not available or were not evaluated, and the functional significance of this variant is currently unknown. This variant has been observed in individual(s) with clinical features of congenital contractural arachnodactyly (Invitae). This variant results in a copy number gain of the genomic region encompassing exons 41-55 of the FBN2 gene. While the exact position of this variant cannot be determined from this data, sub-genic copy number gains are generally in tandem (PMID: 25640679). This variant would be expected to be in-frame, preserving the integrity of the reading frame.

Literature cited by the submitters: PubMed 25640679.